The following is an entry in ClinVar:

NM_004304.5(ALK):c.658T>C (p.Phe220Leu)

Gene: ALK (ALK receptor tyrosine kinase; minus strand). Cytogenetic location: 2p23.1.
Variant type: single nucleotide variant.
Coding change: c.658T>C on transcript NM_004304.5 (MANE Select); coding-DNA position 658, T replaced by C.
Protein change: p.Phe220Leu; replaces phenylalanine 220 with leucine.
Molecular consequence: missense variant.
Genome position (GRCh38, 1-based): chr2:29,920,002, A>G on the plus strand (T>C on the coding strand, the complement: ALK is on the minus strand). VCF-style: chr2-29920002-A-G. GRCh37 (hg19) VCF-style: chr2-30142868-A-G.
Other names: c.658T>C (NM_004304.4); short protein forms F220L.
Identifiers: ClinVar variation 1445744 (VCV001445744.8), dbSNP rs1484797934, ClinGen allele CA346589596.

ClinVar aggregate classification (germline): Conflicting classifications of pathogenicity. Review status: criteria provided, conflicting classifications (1 of 4 stars). 3 submissions from 3 submitters: Uncertain significance (2); Likely benign (1). Last evaluated 2026-02-02.

Conditions:
Neuroblastoma, susceptibility to, 3. Also called: ALK-Related Neuroblastic Tumor Susceptibility. Identifiers: Orphanet 635, MedGen C2751681, MONDO:0013083, OMIM 613014.
Hereditary cancer-predisposing syndrome. Also called: Tumor predisposition; Hereditary neoplastic syndrome; Hereditary Cancer Syndrome; Neoplastic Syndromes, Hereditary. Identifiers: Orphanet 140162, MedGen C0027672, MeSH D009386, MONDO:0015356.

Allele frequency attached by ClinVar (database versions not stated): TOPMed below 0.00001; gnomAD 0.00001.
gnomAD v4.1: 1 of 1,613,670 alleles (0.000062%); highest among the groups gnomAD compares: African/African-American, 0.0013%; no homozygotes.

Submissions (3):

Labcorp Genetics (formerly Invitae), Labcorp
Classification: Uncertain significance for Neuroblastoma, susceptibility to, 3. Last evaluated: 2026-02-02. Review status: criteria provided, single submitter. Criteria: Invitae Variant Classification Sherloc (09022015). Collection method: clinical testing. Allele origin: germline.
Comment: This sequence change replaces phenylalanine, which is neutral and non-polar, with leucine, which is neutral and non-polar, at codon 220 of the ALK protein (p.Phe220Leu). This variant is not present in population databases (gnomAD no frequency). This variant has not been reported in the literature in individuals affected with ALK-related conditions. ClinVar contains an entry for this variant (Variation ID: 1445744). An algorithm developed to predict the effect of missense changes on protein structure and function outputs the following: PolyPhen-2: "Benign". The leucine amino acid residue is found in multiple mammalian species, which suggests that this missense change does not adversely affect protein function. In summary, the available evidence is currently insufficient to determine the role of this variant in disease. Therefore, it has been classified as a Variant of Uncertain Significance.

Ambry Genetics
Classification: Likely benign for Hereditary cancer-predisposing syndrome. Last evaluated: 2025-04-28. Review status: criteria provided, single submitter. Criteria: Ambry Variant Classification Scheme 2023. Collection method: clinical testing. Allele origin: germline.

Baylor Genetics
Classification: Uncertain significance for Neuroblastoma, susceptibility to, 3. Last evaluated: 2023-07-16. Review status: criteria provided, single submitter. Criteria: ACMG Guidelines, 2015. Collection method: clinical testing. Allele origin: unknown.